The following is an entry in ClinVar:

NM_001329943.3(KIAA0586):c.444G>T (p.Lys148Asn)

Gene: KIAA0586 (KIAA0586; plus strand). Cytogenetic location: 14q23.1.
Variant type: single nucleotide variant.
Coding change: c.444G>T on transcript NM_001329943.3 (MANE Select); coding-DNA position 444, G replaced by T.
Protein change: p.Lys148Asn; replaces lysine 148 with asparagine.
Molecular consequence: missense variant.
Genome position (GRCh38, 1-based): chr14:58,442,739, G>T. VCF-style: chr14-58442739-G-T. GRCh37 (hg19) VCF-style: chr14-58909457-G-T.
Other names: c.603G>T, p.Lys201Asn (NM_001244189.2); c.399G>T, p.Lys133Asn (NM_001244190.2); c.189G>T, p.Lys63Asn (NM_001244191.2, NM_001329945.2, NM_001364700.1 and 1 more transcripts); c.312G>T, p.Lys104Asn (NM_001244192.2); c.24G>T, p.Lys8Asn (NM_001244193.2); c.444G>T, p.Lys148Asn (NM_001329944.2, NM_001329946.2, NM_001329947.2 and 1 more transcripts); short protein forms K133N, K104N, K201N, K63N, K148N, K8N.
Identifiers: ClinVar variation 1977976 (VCV001977976.2), dbSNP rs2038503572, ClinGen allele CA389861606.

ClinVar aggregate classification (germline): Uncertain significance (1 of 4 stars; one submission).

Conditions:
Joubert syndrome 23 (JBTS23). Identifiers: Orphanet 475, MedGen C4084822, MONDO:0014664, OMIM 616490.
Short-rib thoracic dysplasia 14 with polydactyly (SRTD14). Identifiers: Orphanet 397715, MedGen C4225286, MONDO:0014688, OMIM 616546.

Allele frequency attached by ClinVar (database versions not stated): TOPMed 0.00001.
gnomAD v4.1: 9 of 1,585,088 alleles (0.00057%); highest among the groups gnomAD compares: South Asian, 0.0011%; no homozygotes.

Submission:

Labcorp Genetics (formerly Invitae), Labcorp
Classification: Uncertain significance for Joubert syndrome 23; Short-rib thoracic dysplasia 14 with polydactyly. Last evaluated: 2021-12-28. Review status: criteria provided, single submitter. Criteria: Invitae Variant Classification Sherloc (09022015). Collection method: clinical testing. Allele origin: germline.
Comment: This sequence change replaces lysine, which is basic and polar, with asparagine, which is neutral and polar, at codon 201 of the KIAA0586 protein (p.Lys201Asn). This variant is not present in population databases (gnomAD no frequency). This variant has not been reported in the literature in individuals affected with KIAA0586-related conditions. Algorithms developed to predict the effect of missense changes on protein structure and function are either unavailable or do not agree on the potential impact of this missense change (SIFT: "Deleterious"; PolyPhen-2: "Probably Damaging"; Align-GVGD: "Class C0"). In summary, the available evidence is currently insufficient to determine the role of this variant in disease. Therefore, it has been classified as a Variant of Uncertain Significance.